The following is an entry in ClinVar:

ClinVar aggregate classification (germline): Uncertain significance (1 of 4 stars; one submission).

Submission:

Labcorp Genetics (formerly Invitae), Labcorp
Classification: Uncertain significance. Last evaluated: 2024-11-26. Review status: criteria provided, single submitter. Criteria: Invitae Variant Classification Sherloc (09022015). Collection method: clinical testing. Allele origin: germline.
Comment: This sequence change replaces leucine, which is neutral and non-polar, with glutamine, which is neutral and polar, at codon 1631 of the CACNA1D protein (p.Leu1631Gln). This variant is not present in population databases (gnomAD no frequency). This variant has not been reported in the literature in individuals affected with CACNA1D-related conditions. Invitae Evidence Modeling of protein sequence and biophysical properties (such as structural, functional, and spatial information, amino acid conservation, physicochemical variation, residue mobility, and thermodynamic stability) has been performed for this missense variant. However, the output from this modeling did not meet the statistical confidence thresholds required to predict the impact of this variant on CACNA1D protein function. Algorithms developed to predict the effect of sequence changes on RNA splicing suggest that this variant may create or strengthen a splice site. In summary, the available evidence is currently insufficient to determine the role of this variant in disease. Therefore, it has been classified as a Variant of Uncertain Significance.

NM_001128840.3(CACNA1D):c.4832T>A (p.Leu1611Gln)

Gene: CACNA1D (calcium voltage-gated channel subunit alpha1 D; plus strand). Cytogenetic location: 3p21.1.
Variant type: single nucleotide variant.
Coding change: c.4832T>A on transcript NM_001128840.3 (MANE Select); coding-DNA position 4832, T replaced by A.
Protein change: p.Leu1611Gln; replaces leucine 1611 with glutamine.
Molecular consequence: missense variant.
Genome position (GRCh38, 1-based): chr3:53,786,861, T>A. VCF-style: chr3-53786861-T-A. GRCh37 (hg19) VCF-style: chr3-53820888-T-A.
Other names: c.4892T>A, p.Leu1631Gln (NM_000720.4); c.4787T>A, p.Leu1596Gln (NM_001128839.3); short protein forms L1596Q, L1611Q, L1631Q.
Identifiers: ClinVar variation 3666262 (VCV003666262.2).
Genomic context (GRCh38, chr3:53,786,861, plus strand): 5'-CTGTCTGGTCTCTCCGTTTAGATGATGAGGTAACCGTGGGGAAGTTCTATGCCACTTTCC[T>A]GATACAGGACTACTTTAGGAAATTCAAGAAACGGAAAGAACAAGGACTGGTGGGAAAGTA-3'
Protein context (NP_001122312.1, residues 1601-1621): VTVGKFYATF[Leu1611Gln]IQDYFRKFKK